The following is an entry in ClinVar:

ClinVar aggregate classification (germline): Uncertain significance (1 of 4 stars; one submission).

Submission:

Labcorp Genetics (formerly Invitae), Labcorp
Classification: Uncertain significance. Last evaluated: 2024-01-11. Review status: criteria provided, single submitter. Criteria: Invitae Variant Classification Sherloc (09022015). Collection method: clinical testing. Allele origin: germline.
Comment: This sequence change creates a premature translational stop signal (p.Gly506Aspfs*14) in the POLE2 gene. While this is not anticipated to result in nonsense mediated decay, it is expected to disrupt the last 22 amino acid(s) of the POLE2 protein. This variant is present in population databases (rs748565137, gnomAD 0.02%). This variant has not been reported in the literature in individuals affected with POLE2-related conditions. ClinVar contains an entry for this variant (Variation ID: 1463279). Experimental studies and prediction algorithms are not available or were not evaluated, and the functional significance of this variant is currently unknown. Algorithms developed to predict the effect of sequence changes on RNA splicing suggest that this variant may disrupt the consensus splice site. In summary, the available evidence is currently insufficient to determine the role of this variant in disease. Therefore, it has been classified as a Variant of Uncertain Significance.

NM_002692.4(POLE2):c.1517del (p.Gly506fs)

Gene: POLE2 (DNA polymerase epsilon 2, accessory subunit; minus strand). Cytogenetic location: 14q21.3.
Variant type: Deletion.
Coding change: c.1517del on transcript NM_002692.4 (MANE Select); coding-DNA position 1517, one base deleted (G; older notation c.1517delG).
Protein change: p.Gly506fs; shifts the reading frame from glycine 506.
Molecular consequence: frameshift variant.
Genome position (GRCh38, 1-based): chr14:49,647,341, C deleted on the plus strand (G on the coding strand, the reverse complement: POLE2 is on the minus strand); the first of 2 consecutive C bases (chr14:49,647,341-49,647,342); deleting either gives the same sequence. VCF-style (leftmost placement, unchanged base first): chr14-49647340-TC-T. GRCh37 (hg19) VCF-style: chr14-50114058-TC-T.
Other names: c.1439del, p.Gly480fs (NM_001197330.2); c.1514del, p.Gly505fs (NM_001348384.2); c.1286del, p.Gly429fs (NM_001348385.2); short protein forms G429fs, G480fs, G505fs, G506fs.
Identifiers: ClinVar variation 1463279 (VCV001463279.8), dbSNP rs748565137, ClinGen allele CA7173228.